The following is an entry in ClinVar:

NM_001142784.3(IL11RA):c.347C>T (p.Pro116Leu)

Gene: IL11RA (interleukin 11 receptor subunit alpha; plus strand). Cytogenetic location: 9p13.3.
Variant type: single nucleotide variant.
Coding change: c.347C>T on transcript NM_001142784.3 (MANE Select); coding-DNA position 347, C replaced by T.
Protein change: p.Pro116Leu; replaces proline 116 with leucine.
Molecular consequence: missense variant. On other transcripts: non-coding transcript variant (1).
Genome position (GRCh38, 1-based): chr9:34,657,050, C>T. VCF-style: chr9-34657050-C-T. GRCh37 (hg19) VCF-style: chr9-34657047-C-T.
Other names: short protein forms P116L.
Identifiers: ClinVar variation 546145 (VCV000546145.2), dbSNP rs1465759522, ClinGen allele CA373287410.
Genomic context (GRCh38, chr9:34,657,050, plus strand): 5'-GGACCTGAGGACTGCTCAGTCTCCAGGTGTACCCTCTGCCTCTAGACCCTCCAGCCCGCC[C>T]TGTTGTCTCCTGCCAAGCAGCCGACTATGAGAACTTCTCTTGCACTTGGAGTCCCAGCCA-3'
Protein context (NP_001136256.1, residues 106-126): TLQLGYPPAR[Pro116Leu]VVSCQAADYE

ClinVar aggregate classification (germline): Uncertain significance (1 of 4 stars; one submission).

Allele frequency attached by ClinVar (database versions not stated): gnomAD 0.00001 and 0.00003.
gnomAD v4.1: 1 of 1,614,024 alleles (0.000062%); highest among the groups gnomAD compares: East Asian, 0.0022%; no homozygotes.

Submission:

GeneDx
Classification: Uncertain significance. Last evaluated: 2018-04-17. Review status: criteria provided, single submitter. Criteria: GeneDx Variant Classification (06012015). Collection method: clinical testing. Allele origin: germline. Affected: yes.
Comment: The P116L variant in the IL11RA gene has not been reported previously as a pathogenic variant, nor as a benign variant, to our knowledge. The P116L variant is observed in 1/1622 (0.062%) alleles from individuals of East Asian background in large population cohorts (Lek et al., 2016). The P116L variant is a semi-conservative amino acid substitution, which may impact secondary protein structure as these residues differ in some properties. In-silico analyses, including protein predictors and evolutionary conservation, support a deleterious effect. We interpret P116L as a variant of uncertain significance.